The following is an entry in ClinVar:

ClinVar aggregate classification (germline): Uncertain significance (1 of 4 stars; one submission).

Allele frequency attached by ClinVar (database versions not stated): TOPMed below 0.00001; ExAC 0.00002; gnomAD exomes 0.00005.
gnomAD v4.1: 68 of 1,608,992 alleles (0.0042%); highest among the groups gnomAD compares: Non-Finnish European, 0.0057%; no homozygotes.

Submission:

Labcorp Genetics (formerly Invitae), Labcorp
Classification: Uncertain significance. Last evaluated: 2022-08-02. Review status: criteria provided, single submitter. Criteria: Invitae Variant Classification Sherloc (09022015). Collection method: clinical testing. Allele origin: germline.
Comment: Algorithms developed to predict the effect of missense changes on protein structure and function output the following: SIFT: "Tolerated"; PolyPhen-2: "Not Available"; Align-GVGD: "Class C0". The valine amino acid residue is found in multiple mammalian species, which suggests that this missense change does not adversely affect protein function. In summary, the available evidence is currently insufficient to determine the role of this variant in disease. Therefore, it has been classified as a Variant of Uncertain Significance. This variant has not been reported in the literature in individuals affected with KMT2B-related conditions. This sequence change replaces alanine, which is neutral and non-polar, with valine, which is neutral and non-polar, at codon 2099 of the KMT2B protein (p.Ala2099Val). This variant is present in population databases (rs746337039, gnomAD 0.003%).

NM_014727.3(KMT2B):c.6296C>T (p.Ala2099Val)

Gene: KMT2B (lysine methyltransferase 2B; plus strand). Cytogenetic location: 19q13.12.
Variant type: single nucleotide variant.
Coding change: c.6296C>T on transcript NM_014727.3 (MANE Select); coding-DNA position 6296, C replaced by T.
Protein change: p.Ala2099Val; replaces alanine 2099 with valine.
Molecular consequence: missense variant.
Genome position (GRCh38, 1-based): chr19:35,732,845, C>T. VCF-style: chr19-35732845-C-T. GRCh37 (hg19) VCF-style: chr19-36223746-C-T.
Other names: short protein forms A2099V.
Identifiers: ClinVar variation 1953548 (VCV001953548.5), dbSNP rs746337039, ClinGen allele CA9385657.